The following is an entry in ClinVar:

ClinVar aggregate classification (germline): Uncertain significance. Review status: criteria provided, multiple submitters, no conflicts (2 of 4 stars). 8 submissions from 8 submitters: Uncertain significance (7). 1 of the submissions does not count toward it. Last evaluated 2026-04-23.

Conditions:
GAA-related disorder. Also called: GAA-related condition.
Glycogen storage disease, type II (IOPD). Also called: Pompe Disease; CARDIOMEGALIA GLYCOGENICA DIFFUSA; GSD II; GLYCOGENOSIS, GENERALIZED, CARDIAC FORM; Glycogen storage disease type 2; Acid maltase deficiency disease. Identifiers: Orphanet 365, MedGen C0017921, MONDO:0009290, OMIM 232300.

Allele frequency attached by ClinVar (database versions not stated): ExAC 0.00003; gnomAD 0.00003 and 0.00004; gnomAD exomes 0.00003; TOPMed 0.00005; ESP Exome Variant Server 0.00008.
gnomAD v4.1: 23 of 1,612,210 alleles (0.0014%); highest among the groups gnomAD compares: Middle Eastern, 0.016%; no homozygotes.

Submissions (8):

PreventionGenetics, part of Exact Sciences
Classification: Uncertain significance for GAA-related condition. Last evaluated: 2026-04-23. Review status: criteria provided, single submitter. Criteria: ACMG Guidelines, 2015. Collection method: clinical testing. Allele origin: germline.
Comment: The GAA c.2331G>A variant is not predicted to result in an amino acid change (p.=). This variant is predicted to affect splicing (SpliceAI, Jaganathan K, et al. 2019. PubMed ID: 30661751). To our knowledge, this variant has not been reported in the literature. This variant is reported in 0.020% of alleles in individuals of African descent in gnomAD. At this time, the clinical significance of this variant is uncertain due to the absence of conclusive functional and genetic evidence.

Revvity Omics, Revvity
Classification: Uncertain significance. Last evaluated: 2025-07-30. Review status: criteria provided, single submitter. Criteria: ACMG Guidelines, 2015. Collection method: clinical testing. Allele origin: germline.

Labcorp Genetics (formerly Invitae), Labcorp
Classification: Uncertain significance for Glycogen storage disease, type II. Last evaluated: 2024-10-29. Review status: criteria provided, single submitter. Criteria: Invitae Variant Classification Sherloc (09022015). Collection method: clinical testing. Allele origin: germline.
Comment: This sequence change affects codon 777 of the GAA mRNA. It is a 'silent' change, meaning that it does not change the encoded amino acid sequence of the GAA protein. This variant also falls at the last nucleotide of exon 16, which is part of the consensus splice site for this exon. This variant is present in population databases (rs375311693, gnomAD 0.03%). This variant has not been reported in the literature in individuals affected with GAA-related conditions. ClinVar contains an entry for this variant (Variation ID: 574387). Variants that disrupt the consensus splice site are a relatively common cause of aberrant splicing (PMID: 17576681, 9536098). Algorithms developed to predict the effect of sequence changes on RNA splicing suggest that this variant may disrupt the consensus splice site. In summary, the available evidence is currently insufficient to determine the role of this variant in disease. Therefore, it has been classified as a Variant of Uncertain Significance.

Mayo Clinic Laboratories, Mayo Clinic
Classification: Uncertain significance. Last evaluated: 2022-05-03. Review status: criteria provided, single submitter. Criteria: ACMG Guidelines, 2015. Collection method: clinical testing. Allele origin: germline. Observed: 1 variant allele.
Comment: PM2

Genome-Nilou Lab
Classification: Uncertain significance for Glycogen storage disease, type II. Last evaluated: 2021-09-05. Review status: criteria provided, single submitter. Criteria: ACMG Guidelines, 2015. Collection method: clinical testing. Allele origin: germline. Affected: no.

Fulgent Genetics
Classification: Uncertain significance for Glycogen storage disease, type II. Last evaluated: 2021-07-12. Review status: criteria provided, single submitter. Criteria: ACMG Guidelines, 2015. Collection method: clinical testing. Allele origin: unknown.

CeGaT Center for Human Genetics Tuebingen
Classification: Uncertain significance. Last evaluated: 2021-06-01. Review status: criteria provided, single submitter. Criteria: CeGaT Center For Human Genetics Tuebingen Variant Classification Criteria Version 2. Collection method: clinical testing. Allele origin: germline. Affected: yes. Observed: 1 variant allele.

Natera, Inc.
Classification: Uncertain significance for Glycogen storage disease type II. Last evaluated: 2019-10-28. Review status: no assertion criteria provided. Collection method: clinical testing. Allele origin: germline. Not counted in ClinVar's aggregate classification.

Literature cited by the submitters: PubMed 17576681 (cited by Labcorp Genetics (formerly Invitae), Labcorp); PubMed 9536098 (cited by Labcorp Genetics (formerly Invitae), Labcorp).

NM_000152.5(GAA):c.2331G>A (p.Thr777=)

Gene: GAA (alpha glucosidase; plus strand). Cytogenetic location: 17q25.3.
Variant type: single nucleotide variant.
Coding change: c.2331G>A on transcript NM_000152.5 (MANE Select); coding-DNA position 2331, G replaced by A.
Protein change: p.Thr777=; no amino-acid change (threonine 777 retained).
Molecular consequence: synonymous variant.
Genome position (GRCh38, 1-based): chr17:80,117,109, G>A. VCF-style: chr17-80117109-G-A. GRCh37 (hg19) VCF-style: chr17-78090908-G-A.
Other names: p.Thr777=; c.2331G>A (LRG_673t1, NM_000152.4); c.2331G>A, p.Thr777= (NM_001079803.3, NM_001079804.3).
Identifiers: ClinVar variation 574387 (VCV000574387.51), dbSNP rs375311693, ClinGen allele CA8815690.
Genomic context (GRCh38, chr17:80,117,109, plus strand): 5'-GGCCGGGAAGGCCGAAGTGACTGGCTACTTCCCCTTGGGCACATGGTACGACCTGCAGAC[G>A]GTGAGTCTGGGGACCCTAAGCCCTGGGGAGACGGGAGACCAGAGCAGCCCTCCCACCTGC-3'
Protein context (NP_000143.2, residues 767-787): FPLGTWYDLQ[Thr777=]VPVEALGSLP